The following is an entry in ClinVar:

ClinVar aggregate classification (germline): Uncertain significance. Review status: criteria provided, multiple submitters, no conflicts (2 of 4 stars). 3 submissions from 3 submitters: Uncertain significance (3). Last evaluated 2026-03-19.

Conditions:
Cardiovascular phenotype. Identifiers: MedGen CN230736.
Dilated cardiomyopathy 1O (CMD1O). Also called: CARDIOMYOPATHY, DILATED, WITH VENTRICULAR TACHYCARDIA. Identifiers: Orphanet 154, MedGen C1837839, MONDO:0012062, OMIM 608569.

Allele frequency attached by ClinVar (database versions not stated): gnomAD 0.00001; gnomAD exomes 0.00001 and below 0.00001; ExAC 0.00001; TOPMed 0.00001.
gnomAD v4.1: 7 of 1,612,682 alleles (0.00043%); highest among the groups gnomAD compares: South Asian, 0.0022%; no homozygotes.

Submissions (3):

Ambry Genetics
Classification: Uncertain significance for Cardiovascular phenotype. Last evaluated: 2026-03-19. Review status: criteria provided, single submitter. Criteria: Ambry Variant Classification Scheme 2023. Collection method: clinical testing. Allele origin: germline.
Comment: The p.R295Q variant (also known as c.884G>A), located in coding exon 6 of the ABCC9 gene, results from a G to A substitution at nucleotide position 884. The arginine at codon 295 is replaced by glutamine, an amino acid with highly similar properties. This amino acid position is highly conserved in available vertebrate species. In addition, this alteration is predicted to be deleterious by in silico analysis. Based on the available evidence, the clinical significance of this variant remains unclear.

Labcorp Genetics (formerly Invitae), Labcorp
Classification: Uncertain significance for Dilated cardiomyopathy 1O. Last evaluated: 2022-06-24. Review status: criteria provided, single submitter. Criteria: Invitae Variant Classification Sherloc (09022015). Collection method: clinical testing. Allele origin: germline.
Comment: In summary, the available evidence is currently insufficient to determine the role of this variant in disease. Therefore, it has been classified as a Variant of Uncertain Significance. Algorithms developed to predict the effect of missense changes on protein structure and function (SIFT, PolyPhen-2, Align-GVGD) all suggest that this variant is likely to be tolerated. ClinVar contains an entry for this variant (Variation ID: 569093). This variant has not been reported in the literature in individuals affected with ABCC9-related conditions. This variant is present in population databases (rs763074253, gnomAD 0.002%). This sequence change replaces arginine, which is basic and polar, with glutamine, which is neutral and polar, at codon 295 of the ABCC9 protein (p.Arg295Gln).

Victorian Clinical Genetics Services, Murdoch Childrens Research Institute
Classification: Uncertain significance for Dilated cardiomyopathy 1O. Last evaluated: 2021-05-06. Review status: criteria provided, single submitter. Criteria: ACMG Guidelines, 2015. Collection method: clinical testing. Allele origin: germline.
Comment: Based on the classification scheme VCGS_Germline_v1.3.4, this variant is classified as VUS-3B. Following criteria are met: 0103 - Loss of function and gain of function are reported mechanisms of disease in this gene and are associated with ABCC9-related intellectual disability myopathy syndrome (AIMS) and Cantu syndrome (MIM#239850). Loss of function is associated with AIMS, while a gain of function mechanism has been reported for Cantu syndrome (PMID: 31575858, 22610116). The association between this gene and dilated cardiomyopathy 1O (MIM#608569) is not well-established (ClinGen). (I) 0108 - This gene is associated with both recessive and dominant disease. Cantu syndrome is inherited in an autosomal dominant pattern, while AIMS has been reported with recessive inheritance (PMID: 31575858, 22610116). (I) 0200 - Variant is predicted to result in a missense amino acid change from arginine to glutamine. (I) 0251 - This variant is heterozygous. (I) 0302 - Variant is present in gnomAD (v2) <0.001 for a dominant condition (3 heterozygotes, 0 homozygotes). (SP) 0502 - Missense variant with conflicting in silico predictions and uninformative conservation. (I) 0604 - Variant is not located in an established domain, motif, hotspot or informative constraint region. (I) 0705 - No comparable missense variants have previous evidence for pathogenicity. (I) 0809 - Previous evidence of pathogenicity for this variant is inconclusive. This variant has been reported once as a variant of unknown significance in ClinVar. (I) 0905 - No published segregation evidence has been identified for this variant. (I) 1007 - No published functional evidence has been identified for this variant. (I) 1208 - Inheritance information for this variant is not currently available in this individual. (I) Legend: (SP) - Supporting pathogenic, (I) - Information, (SB) - Supporting benign

Literature cited by the submitters: PubMed 22610116 (cited by Victorian Clinical Genetics Services, Murdoch Childrens Research Institute); PubMed 31575858 (cited by Victorian Clinical Genetics Services, Murdoch Childrens Research Institute).

NM_020297.4(ABCC9):c.884G>A (p.Arg295Gln)

Gene: ABCC9 (ATP binding cassette subfamily C member 9; minus strand). Cytogenetic location: 12p12.1.
Variant type: single nucleotide variant.
Coding change: c.884G>A on transcript NM_020297.4 (MANE Select); coding-DNA position 884, G replaced by A.
Protein change: p.Arg295Gln; replaces arginine 295 with glutamine.
Molecular consequence: missense variant.
Genome position (GRCh38, 1-based): chr12:21,912,999, C>T on the plus strand (G>A on the coding strand, the complement: ABCC9 is on the minus strand). VCF-style: chr12-21912999-C-T. GRCh37 (hg19) VCF-style: chr12-22065933-C-T.
Other names: c.884G>A, p.Arg295Gln (NM_001377273.1, NM_005691.4); c.20G>A, p.Arg7Gln (NM_001377274.1); c.884G>A (NM_005691.2); short protein forms R295Q, R7Q.
Identifiers: ClinVar variation 569093 (VCV000569093.13), dbSNP rs763074253, ClinGen allele CA6481778.